The following is an entry in ClinVar:

ClinVar aggregate classification (germline): Uncertain significance (1 of 4 stars; one submission).

Conditions:
Duchenne muscular dystrophy (DMD). Also called: MUSCULAR DYSTROPHY, PSEUDOHYPERTROPHIC PROGRESSIVE, DUCHENNE TYPE; Duchenne Muscular Dystrophy (DMD). Identifiers: Orphanet 98896, MedGen C0013264, MONDO:0010679, OMIM 310200.

Submission:

Labcorp Genetics (formerly Invitae), Labcorp
Classification: Uncertain significance for Duchenne muscular dystrophy. Last evaluated: 2023-12-06. Review status: criteria provided, single submitter. Criteria: Invitae Variant Classification Sherloc (09022015). Collection method: clinical testing. Allele origin: germline.
Comment: This sequence change replaces glutamine, which is neutral and polar, with lysine, which is basic and polar, at codon 992 of the DMD protein (p.Gln992Lys). This variant is not present in population databases (gnomAD no frequency). This variant has not been reported in the literature in individuals affected with DMD-related conditions. ClinVar contains an entry for this variant (Variation ID: 2057999). Advanced modeling of protein sequence and biophysical properties (such as structural, functional, and spatial information, amino acid conservation, physicochemical variation, residue mobility, and thermodynamic stability) performed at Invitae indicates that this missense variant is not expected to disrupt DMD protein function with a negative predictive value of 95%. In summary, the available evidence is currently insufficient to determine the role of this variant in disease. Therefore, it has been classified as a Variant of Uncertain Significance.

NM_004006.3(DMD):c.2974C>A (p.Gln992Lys)

Gene: DMD (dystrophin; minus strand). Cytogenetic location: Xp21.1.
Variant type: single nucleotide variant.
Coding change: c.2974C>A on transcript NM_004006.3 (MANE Select); coding-DNA position 2974, C replaced by A.
Protein change: p.Gln992Lys; replaces glutamine 992 with lysine.
Molecular consequence: missense variant.
Genome position (GRCh38, 1-based): chrX:32,468,686, G>T on the plus strand (C>A on the coding strand, the complement: DMD is on the minus strand). VCF-style: chrX-32468686-G-T. GRCh37 (hg19) VCF-style: chrX-32486803-G-T.
Other names: c.2950C>A, p.Gln984Lys (NM_000109.4); c.2962C>A, p.Gln988Lys (NM_004009.3); c.2605C>A, p.Gln869Lys (NM_004010.3); short protein forms Q988K, Q992K, Q869K, Q984K.
Identifiers: ClinVar variation 2057999 (VCV002057999.4), dbSNP rs2148460570, ClinGen allele CA412667147.